The following is an entry in ClinVar:

NM_147686.4(TRAF3IP2):c.1346G>A (p.Arg449His)

Genes: TRAF3IP2 (TRAF3 interacting protein 2; minus strand), TRAF3IP2-AS1 (TRAF3IP2 antisense RNA 1; plus strand). Cytogenetic location: 6q21.
Variant type: single nucleotide variant.
Coding change: c.1346G>A on transcript NM_147686.4 (MANE Select); coding-DNA position 1346, G replaced by A.
Protein change: p.Arg449His; replaces arginine 449 with histidine.
Molecular consequence: missense variant.
Genome position (GRCh38, 1-based): chr6:111,567,637, C>T on the plus strand (G>A on the coding strand, the complement: TRAF3IP2 is on the minus strand). VCF-style: chr6-111567637-C-T. GRCh37 (hg19) VCF-style: chr6-111888840-C-T.
Other names: c.1346G>A, p.Arg449His (NM_001164281.3); c.1373G>A, p.Arg458His (NM_147200.3); short protein forms R458H, R449H.
Identifiers: ClinVar variation 2167625 (VCV002167625.1), dbSNP rs1352832056, ClinGen allele CA365361517.
Genomic context (GRCh38, chr6:111,567,637, plus strand): 5'-TGTCTTTCTCACCAGAAAACAAACTCTGGTTTTTGGAATGTACTTACATCCCTAAGGTAG[C>T]GCTCCATCCATTTAATGATATCAATGCCTCGGATTCTATCCTCAAATATGTCAATCTGCA-3'
Protein context (NP_679211.2, residues 439-459): RGIDIIKWME[Arg449His]YLRDKTVMII

ClinVar aggregate classification (germline): Uncertain significance (1 of 4 stars; one submission).

Conditions:
Candidiasis, familial, 8 (CANDF8). Identifiers: Orphanet 1334, MedGen C3714992, MONDO:0014230, OMIM 615527.

Allele frequency attached by ClinVar (database versions not stated): gnomAD 0.00001; gnomAD exomes 0.00001; TOPMed 0.00003.
gnomAD v4.1: 11 of 1,609,670 alleles (0.00068%); highest among the groups gnomAD compares: Non-Finnish European, 0.00085%; no homozygotes.

Submission:

Labcorp Genetics (formerly Invitae), Labcorp
Classification: Uncertain significance for Candidiasis, familial, 8. Last evaluated: 2022-07-03. Review status: criteria provided, single submitter. Criteria: Invitae Variant Classification Sherloc (09022015). Collection method: clinical testing. Allele origin: germline.
Comment: This sequence change replaces arginine, which is basic and polar, with histidine, which is basic and polar, at codon 449 of the TRAF3IP2 protein (p.Arg449His). This variant is not present in population databases (gnomAD no frequency). This variant has not been reported in the literature in individuals affected with TRAF3IP2-related conditions. Algorithms developed to predict the effect of missense changes on protein structure and function are either unavailable or do not agree on the potential impact of this missense change (SIFT: "Deleterious"; PolyPhen-2: "Benign"; Align-GVGD: "Class C0"). In summary, the available evidence is currently insufficient to determine the role of this variant in disease. Therefore, it has been classified as a Variant of Uncertain Significance.